The following is an entry in ClinVar:

ClinVar aggregate classification (germline): Pathogenic (1 of 4 stars; one submission).

Submission:

Labcorp Genetics (formerly Invitae), Labcorp
Classification: Pathogenic. Last evaluated: 2025-02-03. Review status: criteria provided, single submitter. Criteria: Invitae Variant Classification Sherloc (09022015). Collection method: clinical testing. Allele origin: germline.
Comment: This sequence change replaces asparagine, which is neutral and polar, with serine, which is neutral and polar, at codon 314 of the ATP6V1A protein (p.Asn314Ser). This variant is not present in population databases (gnomAD no frequency). This missense change has been observed in individual(s) with clinical features of autosomal dominant ATP6V1A-related conditions (PMID: 35675510). In at least one individual the variant was observed to be de novo. Invitae Evidence Modeling of protein sequence and biophysical properties (such as structural, functional, and spatial information, amino acid conservation, physicochemical variation, residue mobility, and thermodynamic stability) indicates that this missense variant is expected to disrupt ATP6V1A protein function with a positive predictive value of 80%. For these reasons, this variant has been classified as Pathogenic.

Literature cited by the submitters: PubMed 35675510.

NM_001690.4(ATP6V1A):c.941A>G (p.Asn314Ser)

Gene: ATP6V1A (ATPase H+ transporting V1 subunit A; plus strand). Cytogenetic location: 3q13.31.
Variant type: single nucleotide variant.
Coding change: c.941A>G on transcript NM_001690.4 (MANE Select); coding-DNA position 941, A replaced by G.
Protein change: p.Asn314Ser; replaces asparagine 314 with serine.
Molecular consequence: missense variant.
Genome position (GRCh38, 1-based): chr3:113,789,793, A>G. VCF-style: chr3-113789793-A-G. GRCh37 (hg19) VCF-style: chr3-113508640-A-G.
Other names: short protein forms N314S.
Identifiers: ClinVar variation 4780871 (VCV004780871.1).